The following is an entry in ClinVar:

NM_001291303.3(FAT4):c.12097G>A (p.Ala4033Thr)

Gene: FAT4 (FAT atypical cadherin 4; plus strand). Cytogenetic location: 4q28.1.
Variant type: single nucleotide variant.
Coding change: c.12097G>A on transcript NM_001291303.3 (MANE Select); coding-DNA position 12097, G replaced by A.
Protein change: p.Ala4033Thr; replaces alanine 4033 with threonine.
Molecular consequence: missense variant.
Genome position (GRCh38, 1-based): chr4:125,468,703, G>A. VCF-style: chr4-125468703-G-A. GRCh37 (hg19) VCF-style: chr4-126389858-G-A.
Other names: c.12091G>A (NM_024582.5); c.12097G>A, p.Ala4033Thr (NM_001291285.3); c.12091G>A, p.Ala4031Thr (NM_024582.6); short protein forms A4033T, A4031T.
Identifiers: ClinVar variation 1500302 (VCV001500302.9), dbSNP rs1328584807, ClinGen allele CA358128487.

ClinVar aggregate classification (germline): Uncertain significance. Review status: criteria provided, multiple submitters, no conflicts (2 of 4 stars). 2 submissions from 2 submitters: Uncertain significance (2). Last evaluated 2024-06-09.

Conditions:
Hennekam lymphangiectasia-lymphedema syndrome 2 (HKLLS2). Identifiers: Orphanet 2136, MedGen C4014939, MONDO:0014454, OMIM 616006.
Van Maldergem syndrome 2 (VMLDS2). Identifiers: Orphanet 314679, MedGen C3809875, MONDO:0014242, OMIM 615546.

Allele frequency attached by ClinVar (database versions not stated): gnomAD exomes below 0.00001.
gnomAD v4.1: 2 of 1,614,098 alleles (0.00012%); highest among the groups gnomAD compares: Non-Finnish European, 0.00017%; no homozygotes.

Submissions (2):

Fulgent Genetics
Classification: Uncertain significance for Van Maldergem syndrome 2; Hennekam lymphangiectasia-lymphedema syndrome 2. Last evaluated: 2024-06-09. Review status: criteria provided, single submitter. Criteria: ACMG Guidelines, 2015. Collection method: clinical testing. Allele origin: germline.

Labcorp Genetics (formerly Invitae), Labcorp
Classification: Uncertain significance. Last evaluated: 2021-01-04. Review status: criteria provided, single submitter. Criteria: Invitae Variant Classification Sherloc (09022015). Collection method: clinical testing. Allele origin: germline.
Comment: This sequence change replaces alanine with threonine at codon 4031 of the FAT4 protein (p.Ala4031Thr). The alanine residue is moderately conserved and there is a small physicochemical difference between alanine and threonine. In summary, the available evidence is currently insufficient to determine the role of this variant in disease. Therefore, it has been classified as a Variant of Uncertain Significance. Advanced modeling of protein sequence and biophysical properties (such as structural, functional, and spatial information, amino acid conservation, physicochemical variation, residue mobility, and thermodynamic stability) performed at Invitae indicates that this missense variant is not expected to disrupt FAT4 protein function. This variant has not been reported in the literature in individuals with FAT4-related conditions. This variant is not present in population databases (ExAC no frequency).